The following is an entry in ClinVar:

NM_000890.5(KCNJ5):c.864G>T (p.Glu288Asp)

Gene: KCNJ5 (potassium inwardly rectifying channel subfamily J member 5; plus strand). Cytogenetic location: 11q24.3.
Variant type: single nucleotide variant.
Coding change: c.864G>T on transcript NM_000890.5 (MANE Select); coding-DNA position 864, G replaced by T.
Protein change: p.Glu288Asp; replaces glutamic acid 288 with aspartic acid.
Molecular consequence: missense variant.
Genome position (GRCh38, 1-based): chr11:128,912,137, G>T. VCF-style: chr11-128912137-G-T. GRCh37 (hg19) VCF-style: chr11-128782032-G-T.
Other names: c.864G>T (LRG_333t1); c.864G>T, p.Glu288Asp (NM_001354169.2); short protein forms E288D.
Identifiers: ClinVar variation 560690 (VCV000560690.3), dbSNP rs771919907, ClinGen allele CA6357949.

ClinVar aggregate classification (germline): Conflicting classifications of pathogenicity. Review status: criteria provided, conflicting classifications (1 of 4 stars). 3 submissions from 3 submitters: Uncertain significance (2); Likely benign (1). Last evaluated 2025-09-10.

Conditions:
Long QT syndrome (LQTS). Identifiers: MedGen C0023976, MeSH D008133, MONDO:0002442. Disease mechanism: loss of function. Inheritance: Various modes of inheritance.
Long QT syndrome 13 (LQT13). Identifiers: Orphanet 101016, Orphanet 768, MedGen C3150733, MONDO:0013279, OMIM 613485.
Hypertrophic cardiomyopathy. Also called: HYPERTROPHIC MYOCARDIOPATHY. Identifiers: Orphanet 217569, MedGen C0007194, MeSH D002312, MONDO:0005045, HP:0001639.

Allele frequency attached by ClinVar (database versions not stated): ExAC 0.00001; gnomAD exomes 0.00001 and 0.00002; TOPMed 0.00002.
gnomAD v4.1: 8 of 1,612,466 alleles (0.0005%); highest among the groups gnomAD compares: Admixed American, 0.01%; no homozygotes.

Submissions (3):

Labcorp Genetics (formerly Invitae), Labcorp
Classification: Uncertain significance for Long QT syndrome. Last evaluated: 2025-09-10. Review status: criteria provided, single submitter. Criteria: Invitae Variant Classification Sherloc (09022015). Collection method: clinical testing. Allele origin: germline.
Comment: This sequence change replaces glutamic acid, which is acidic and polar, with aspartic acid, which is acidic and polar, at codon 288 of the KCNJ5 protein (p.Glu288Asp). This variant is present in population databases (rs771919907, gnomAD 0.02%). This missense change has been observed in individual(s) with long QT syndrome (PMID: 31737537). ClinVar contains an entry for this variant (Variation ID: 560690). Invitae Evidence Modeling of protein sequence and biophysical properties (such as structural, functional, and spatial information, amino acid conservation, physicochemical variation, residue mobility, and thermodynamic stability) indicates that this missense variant is not expected to disrupt KCNJ5 protein function with a negative predictive value of 80%. In summary, the available evidence is currently insufficient to determine the role of this variant in disease. Therefore, it has been classified as a Variant of Uncertain Significance.

Center for Advanced Laboratory Medicine, UC San Diego Health, University of California San Diego
Classification: Likely benign for Hypertrophic cardiomyopathy. Last evaluated: 2019-02-05. Review status: criteria provided, single submitter. Criteria: ACMG Guidelines, 2015. Collection method: clinical testing. Allele origin: germline. Affected: yes. Observed: 1 variant allele.

MVZ Martinsried, Medicover Genetics
Classification: Uncertain significance for Long QT syndrome 13. Last evaluated: 2017-12-20. Review status: criteria provided, single submitter. Criteria: ACMG Guidelines, 2015. Collection method: clinical testing. Allele origin: unknown. Affected: yes.

Literature cited by the submitters: PubMed 31737537 (cited by Labcorp Genetics (formerly Invitae), Labcorp).